The following is an entry in ClinVar:

NM_000038.6(APC):c.3026A>G (p.His1009Arg)

Gene: APC (APC regulator of Wnt signaling pathway; plus strand). Cytogenetic location: 5q22.2.
Variant type: single nucleotide variant.
Coding change: c.3026A>G on transcript NM_000038.6 (MANE Select); coding-DNA position 3026, A replaced by G.
Protein change: p.His1009Arg; replaces histidine 1009 with arginine.
Molecular consequence: missense variant.
Genome position (GRCh38, 1-based): chr5:112,838,620, A>G. VCF-style: chr5-112838620-A-G. GRCh37 (hg19) VCF-style: chr5-112174317-A-G.
Other names: c.3026A>G, p.His1009Arg (NM_001127510.3, NM_001354895.2); c.2972A>G, p.His991Arg (NM_001127511.3); c.3080A>G, p.His1027Arg (NM_001354896.2); c.3056A>G, p.His1019Arg (NM_001354897.2); c.2951A>G, p.His984Arg (NM_001354898.2); c.2942A>G, p.His981Arg (NM_001354899.2); c.2903A>G, p.His968Arg (NM_001354900.2); c.2849A>G, p.His950Arg (NM_001354901.2); and 5 more; short protein forms H726R, H981R, H883R, H950R, H1027R, H908R, H918R, H1009R.
Identifiers: ClinVar variation 919754 (VCV000919754.10), dbSNP rs756131416, ClinGen allele CA034318.

ClinVar aggregate classification (germline): Conflicting classifications of pathogenicity. Review status: criteria provided, conflicting classifications (1 of 4 stars). 4 submissions from 4 submitters: Uncertain significance (3); Likely benign (1). Last evaluated 2024-03-30.

Conditions:
Hereditary cancer-predisposing syndrome. Also called: Neoplastic Syndromes, Hereditary; Tumor predisposition; Hereditary Cancer Syndrome; Hereditary neoplastic syndrome. Identifiers: Orphanet 140162, MedGen C0027672, MeSH D009386, MONDO:0015356.
Familial adenomatous polyposis 1 (FAP1). Also called: FAMILIAL ADENOMATOUS POLYPOSIS 1, ATTENUATED; POLYPOSIS, ADENOMATOUS INTESTINAL. Identifiers: MedGen C2713442, MONDO:0021056, OMIM 175100. Disease mechanism: loss of function.

Allele frequency attached by ClinVar (database versions not stated): gnomAD exomes below 0.00001 and 0.00001; ExAC 0.00001.
gnomAD v4.1: 5 of 1,614,174 alleles (0.00031%); highest among the groups gnomAD compares: South Asian, 0.0033%; no homozygotes.

Submissions (4):

Ambry Genetics
Classification: Likely benign for Hereditary cancer-predisposing syndrome. Last evaluated: 2024-03-30. Review status: criteria provided, single submitter. Criteria: Ambry Variant Classification Scheme 2023. Collection method: clinical testing. Allele origin: germline.

Color Diagnostics, LLC DBA Color Health
Classification: Uncertain significance for Hereditary cancer-predisposing syndrome. Last evaluated: 2023-12-04. Review status: criteria provided, single submitter. Criteria: ACMG Guidelines, 2015. Collection method: clinical testing. Allele origin: germline.
Comment: This missense variant replaces histidine with arginine at codon 1009 of the APC protein. Computational prediction suggests that this variant may not impact protein structure and function (internally defined REVEL score threshold <= 0.5, PMID: 27666373). To our knowledge, functional studies have not been reported for this variant. This variant has not been reported in individuals affected with APC-related disorders in the literature. This variant has been identified in 2/251242 chromosomes in the general population by the Genome Aggregation Database (gnomAD). The available evidence is insufficient to determine the role of this variant in disease conclusively. Therefore, this variant is classified as a Variant of Uncertain Significance.

Labcorp Genetics (formerly Invitae), Labcorp
Classification: Uncertain significance for Familial adenomatous polyposis 1. Last evaluated: 2023-04-26. Review status: criteria provided, single submitter. Criteria: Invitae Variant Classification Sherloc (09022015). Collection method: clinical testing. Allele origin: germline.
Comment: This sequence change replaces histidine, which is basic and polar, with arginine, which is basic and polar, at codon 1009 of the APC protein (p.His1009Arg). This variant is present in population databases (rs756131416, gnomAD 0.006%). This variant has not been reported in the literature in individuals affected with APC-related conditions. ClinVar contains an entry for this variant (Variation ID: 919754). Advanced modeling of protein sequence and biophysical properties (such as structural, functional, and spatial information, amino acid conservation, physicochemical variation, residue mobility, and thermodynamic stability) performed at Invitae indicates that this missense variant is not expected to disrupt APC protein function. In summary, the available evidence is currently insufficient to determine the role of this variant in disease. Therefore, it has been classified as a Variant of Uncertain Significance.

GeneDx
Classification: Uncertain significance. Last evaluated: 2019-12-16. Review status: criteria provided, single submitter. Criteria: GeneDx Variant Classification Process June 2021. Collection method: clinical testing. Allele origin: germline. Affected: yes.
Comment: In silico analysis, which includes protein predictors and evolutionary conservation, supports that this variant does not alter protein structure/function; Has not been previously published as pathogenic or benign to our knowledge